The following is an entry in ClinVar:

NM_001134407.3(GRIN2A):c.2007+11C>G

Gene: GRIN2A (glutamate ionotropic receptor NMDA type subunit 2A; minus strand). Cytogenetic location: 16p13.2.
Variant type: single nucleotide variant.
Coding change: c.2007+11C>G on transcript NM_001134407.3 (MANE Select); 11 bases into the intron after coding-DNA position 2007, C replaced by G.
Molecular consequence: intron variant.
Genome position (GRCh38, 1-based): chr16:9,829,412, G>C on the plus strand (C>G on the coding strand, the complement: GRIN2A is on the minus strand). VCF-style: chr16-9829412-G-C. GRCh37 (hg19) VCF-style: chr16-9923269-G-C.
Other names: c.2007+11C>G (NM_001134408.2, NM_000833.5).
Identifiers: ClinVar variation 507719 (VCV000507719.3), dbSNP rs758596798, ClinGen allele CA658798542.

ClinVar aggregate classification (germline): Likely benign. Review status: criteria provided, multiple submitters, no conflicts (2 of 4 stars). 2 submissions from 2 submitters: Likely benign (2). Last evaluated 2024-08-28.

Conditions:
Landau-Kleffner syndrome (FESD). Also called: EPILEPSY, FOCAL, WITH SPEECH DISORDER AND WITH OR WITHOUT MENTAL RETARDATION; APHASIA, ACQUIRED, WITH EPILEPSY. Identifiers: Orphanet 1945, Orphanet 725, Orphanet 98818, MedGen C0282512, MONDO:0009509, OMIM 245570.

Allele frequency attached by ClinVar (database versions not stated): TOPMed below 0.00001; gnomAD exomes below 0.00001.
gnomAD v4.1: 5 of 1,580,124 alleles (0.00032%); highest among the groups gnomAD compares: African/African-American, 0.0067%; 1 homozygote.

Submissions (2):

Labcorp Genetics (formerly Invitae), Labcorp
Classification: Likely benign for Landau-Kleffner syndrome. Last evaluated: 2024-08-28. Review status: criteria provided, single submitter. Criteria: Invitae Variant Classification Sherloc (09022015). Collection method: clinical testing. Allele origin: germline.

GeneDx
Classification: Likely benign. Last evaluated: 2017-03-01. Review status: criteria provided, single submitter. Criteria: GeneDx Variant Classification (06012015). Collection method: clinical testing. Allele origin: germline. Affected: yes.
Comment: This variant is considered likely benign or benign based on one or more of the following criteria: it is a conservative change, it occurs at a poorly conserved position in the protein, it is predicted to be benign by multiple in silico algorithms, and/or has population frequency not consistent with disease.